The following is an entry in ClinVar:

ClinVar aggregate classification (germline): Pathogenic (1 of 4 stars; one submission).

Submission:

Labcorp Genetics (formerly Invitae), Labcorp
Classification: Pathogenic. Last evaluated: 2023-11-14. Review status: criteria provided, single submitter. Criteria: Invitae Variant Classification Sherloc (09022015). Collection method: clinical testing. Allele origin: germline.
Comment: This sequence change creates a premature translational stop signal (p.Ser148*) in the ADGRV1 gene. It is expected to result in an absent or disrupted protein product. Loss-of-function variants in ADGRV1 are known to be pathogenic (PMID: 19357117, 22135276, 22147658, 26226137, 30718709, 31047384, 32467589). This variant is not present in population databases (gnomAD no frequency). This variant has not been reported in the literature in individuals affected with ADGRV1-related conditions. For these reasons, this variant has been classified as Pathogenic.

Literature cited by the submitters: PubMed 19357117; PubMed 22135276; PubMed 22147658; PubMed 26226137; PubMed 30718709; PubMed 31047384; PubMed 32467589.

NM_032119.4(ADGRV1):c.443_447del (p.Ile147_Ser148insTer)

Gene: ADGRV1 (adhesion G protein-coupled receptor V1; plus strand). Cytogenetic location: 5q14.3.
Variant type: Deletion.
Coding change: c.443_447del on transcript NM_032119.4 (MANE Select); coding-DNA positions 443 to 447, 5 bases deleted (CATTT; older notation c.443_447delCATTT).
Protein change: p.Ile147_Ser148insTer.
Molecular consequence: nonsense. On other transcripts: non-coding transcript variant (1).
Genome position (GRCh38, 1-based): chr5:90,619,171-90,619,175, CATTT deleted; deleting any 5 consecutive bases within chr5:90,619,167-90,619,175 gives the same sequence; the c. name uses the placement nearest the transcript's 3' end. VCF-style (leftmost placement, unchanged base first): chr5-90619166-TATTTC-T. GRCh37 (hg19) VCF-style: chr5-89914983-TATTTC-T.
Identifiers: ClinVar variation 2695913 (VCV002695913.3), dbSNP rs2531720943, ClinGen allele CA2578358436.